The following is an entry in ClinVar:

NM_001353921.2(ARHGEF9):c.956T>A (p.Ile319Asn)

Gene: ARHGEF9 (Cdc42 guanine nucleotide exchange factor 9; minus strand). Cytogenetic location: Xq11.1.
Variant type: single nucleotide variant.
Coding change: c.956T>A on transcript NM_001353921.2 (MANE Select); coding-DNA position 956, T replaced by A.
Protein change: p.Ile319Asn; replaces isoleucine 319 with asparagine.
Molecular consequence: missense variant. On other transcripts: intron variant (5).
Genome position (GRCh38, 1-based): chrX:63,666,007, A>T on the plus strand (T>A on the coding strand, the complement: ARHGEF9 is on the minus strand). VCF-style: chrX-63666007-A-T. GRCh37 (hg19) VCF-style: chrX-62885887-A-T.
Other names: c.776T>A, p.Ile259Asn (NM_001173479.2); c.629T>A, p.Ile210Asn (NM_001173480.2, NM_001369042.1); c.872T>A, p.Ile291Asn (NM_001330495.2, NM_001369033.1, NM_001369034.1 and 6 more transcripts); c.974T>A, p.Ile325Asn (NM_001353923.1); c.755T>A, p.Ile252Asn (NM_001353924.2, NM_001353926.2, NM_001369039.1 and 1 more transcripts); c.935T>A, p.Ile312Asn (NM_001369030.1, NM_001369031.1, NM_001369032.1 and 1 more transcripts); c.945+8031T>A (NM_001353922.2); c.861+8031T>A (NM_001369041.1, NM_001353927.2); and 2 more; short protein forms I210N, I252N, I259N, I291N, I312N, I319N, I325N.
Identifiers: ClinVar variation 4976404 (VCV004976404.1).
Genomic context (GRCh38, chrX:63,666,007, plus strand): 5'-TAGGGCTGGTAGATCCAGGCCATCTCCCCAGTGTAGATCAGCTCCGAGCTCCTGTCTAGG[A>T]TGTCCTCGCCCTGGGAAGGACATGTGATGATGAGAGGCAGCCAGGCAGAAGGATGGCACC-3'
Protein context (NP_001340850.1, residues 309-329): ASVLDWEGED[Ile319Asn]LDRSSELIYT

ClinVar aggregate classification (germline): Uncertain significance (1 of 4 stars; one submission).

Submission:

GeneDx
Classification: Uncertain significance. Last evaluated: 2026-02-26. Review status: criteria provided, single submitter. Criteria: GeneDx Variant Classification Process June 2021. Collection method: clinical testing. Allele origin: germline.
Comment: Not observed at significant frequency in large population cohorts (gnomAD); In silico analysis supports that this missense variant has a deleterious effect on protein structure/function; Has not been previously published as pathogenic or benign to our knowledge